The following is an entry in ClinVar:

NM_000051.4(ATM):c.7164C>G (p.Leu2388=)

Genes: ATM (ATM serine/threonine kinase; plus strand), C11orf65 (chromosome 11 open reading frame 65; minus strand). Cytogenetic location: 11q22.3.
Variant type: single nucleotide variant.
Coding change: c.7164C>G on transcript NM_000051.4 (MANE Select); coding-DNA position 7164, C replaced by G.
Protein change: p.Leu2388=; no amino-acid change (leucine 2388 retained).
Molecular consequence: synonymous variant. On other transcripts: intron variant (2).
Genome position (GRCh38, 1-based): chr11:108,329,095, C>G. VCF-style: chr11-108329095-C-G. GRCh37 (hg19) VCF-style: chr11-108199822-C-G.
Other names: c.7164C>G, p.Leu2388= (NM_001351834.2); c.641-20024G>C (NM_001330368.2); c.*38+6125G>C (NM_001351110.2).
Identifiers: ClinVar variation 482653 (VCV000482653.8), dbSNP rs1239532344, ClinGen allele CA476676700.
Genomic context (GRCh38, chr11:108,329,095, plus strand): 5'-TGGAAATTATGATGGAGAAAGTAGTGATGAGCTAAGAAATGGAAAAATGAAGGCATTTCT[C>G]TCATTAGCCCGGTTTTCAGATACTCAATACCAAAGAATTGAAAACTACATGAAATCATCG-3'
Protein context (NP_000042.3, residues 2378-2398): ELRNGKMKAF[Leu2388=]SLARFSDTQY

ClinVar aggregate classification (germline): Benign/Likely benign. Review status: criteria provided, multiple submitters, no conflicts (2 of 4 stars). 2 submissions from 2 submitters: Benign (1); Likely benign (1). Last evaluated 2024-06-13.

Conditions:
Hereditary cancer-predisposing syndrome. Also called: Neoplastic Syndromes, Hereditary; Hereditary Cancer Syndrome; Tumor predisposition; Hereditary neoplastic syndrome. Identifiers: Orphanet 140162, MedGen C0027672, MeSH D009386, MONDO:0015356.
Familial cancer of breast. Also called: Hereditary breast cancer; BREAST CANCER, FAMILIAL; hereditary breast carcinoma. Identifiers: Orphanet 227535, MedGen C0346153, MONDO:0016419, OMIM 114480. Disease mechanism: loss of function.

Allele frequency attached by ClinVar (database versions not stated): gnomAD exomes below 0.00001.
gnomAD v4.1: 1 of 1,614,102 alleles (0.000062%); highest among the groups gnomAD compares: Non-Finnish European, 0.000085%; no homozygotes.

Submissions (2):

Myriad Genetics, Inc.
Classification: Benign for Familial cancer of breast. Last evaluated: 2024-06-13. Review status: criteria provided, single submitter. Criteria: Myriad Autosomal Dominant, Autosomal Recessive and X-Linked Classification Criteria (2023). Collection method: clinical testing. Allele origin: unknown.
Comment: This variant is considered benign. This variant is a silent/synonymous amino acid change and it is not expected to impact splicing.

Ambry Genetics
Classification: Likely benign for Hereditary cancer-predisposing syndrome. Last evaluated: 2016-11-02. Review status: criteria provided, single submitter. Criteria: Ambry Variant Classification Scheme 2023. Collection method: clinical testing. Allele origin: germline.